The following is an entry in ClinVar:

ClinVar aggregate classification (germline): Uncertain significance (1 of 4 stars; one submission).

Allele frequency attached by ClinVar (database versions not stated): gnomAD 0.00002; TOPMed 0.00002.
gnomAD v4.1: 3 of 1,542,152 alleles (0.00019%); highest among the groups gnomAD compares: African/African-American, 0.0041%; no homozygotes.

Submission:

Labcorp Genetics (formerly Invitae), Labcorp
Classification: Uncertain significance. Last evaluated: 2022-11-28. Review status: criteria provided, single submitter. Criteria: Invitae Variant Classification Sherloc (09022015). Collection method: clinical testing. Allele origin: germline.
Comment: This sequence change falls in intron 4 of the CFD gene. It does not directly change the encoded amino acid sequence of the CFD protein. It affects a nucleotide within the consensus splice site. This variant is present in population databases (no rsID available, gnomAD 0.02%). This variant has not been reported in the literature in individuals affected with CFD-related conditions. In summary, the available evidence is currently insufficient to determine the role of this variant in disease. Therefore, it has been classified as a Variant of Uncertain Significance. Variants that disrupt the consensus splice site are a relatively common cause of aberrant splicing (PMID: 17576681, 9536098). Algorithms developed to predict the effect of sequence changes on RNA splicing suggest that this variant is not likely to affect RNA splicing. ClinVar contains an entry for this variant (Variation ID: 1509163).

Literature cited by the submitters: PubMed 17576681; PubMed 9536098.

NM_001928.4(CFD):c.615+3G>C

Gene: CFD (complement factor D; plus strand). Cytogenetic location: 19p13.3.
Variant type: single nucleotide variant.
Coding change: c.615+3G>C on transcript NM_001928.4 (MANE Select); 3 bases into the intron after coding-DNA position 615, G replaced by C.
Molecular consequence: intron variant.
Genome position (GRCh38, 1-based): chr19:861,959, G>C. VCF-style: chr19-861959-G-C. GRCh37 (hg19) VCF-style: chr19-861959-G-C.
Other names: c.636+3G>C (NM_001317335.2).
Identifiers: ClinVar variation 1509163 (VCV001509163.6), dbSNP rs1405437257, ClinGen allele CA631295266.